The following is an entry in ClinVar:

NM_001082538.3(TCTN1):c.954C>T (p.Ser318=)

Gene: TCTN1 (tectonic family member 1; plus strand). Cytogenetic location: 12q24.11.
Variant type: single nucleotide variant.
Coding change: c.954C>T on transcript NM_001082538.3 (MANE Select); coding-DNA position 954, C replaced by T.
Protein change: p.Ser318=; no amino-acid change (serine 318 retained).
Molecular consequence: synonymous variant. On other transcripts: non-coding transcript variant (1).
Genome position (GRCh38, 1-based): chr12:110,640,493, C>T. VCF-style: chr12-110640493-C-T. GRCh37 (hg19) VCF-style: chr12-111078298-C-T.
Other names: c.954C>T, p.Ser318= (NM_001082537.3, NM_001319680.2); c.786C>T, p.Ser262= (NM_001173975.3); c.774C>T, p.Ser258= (NM_001173976.2); c.420C>T, p.Ser140= (NM_001319681.2); c.912C>T, p.Ser304= (NM_024549.6); c.954C>T (NM_001082538.2).
Identifiers: ClinVar variation 1549084 (VCV001549084.11), dbSNP rs372535670, ClinGen allele CA6786775.

ClinVar aggregate classification (germline): Likely benign. Review status: criteria provided, multiple submitters, no conflicts (2 of 4 stars). 3 submissions from 3 submitters: Likely benign (2). 1 of the submissions does not count toward it. Last evaluated 2025-06-16.

Conditions:
Meckel-Gruber syndrome. Also called: DYSENCEPHALIA SPLANCHNOCYSTICA; GRUBER SYNDROME; Dysencephalia splachnocystica. Identifiers: Orphanet 564, MedGen C0265215, MONDO:0018921.
Joubert syndrome. Also called: Familial aplasia of the vermis; JOUBERT-BOLTSHAUSER SYNDROME. Identifiers: Orphanet 475, MedGen C5979921, MONDO:0018772.
TCTN1-related disorder. Also called: TCTN1-related condition.

Allele frequency attached by ClinVar (database versions not stated): gnomAD exomes below 0.00001 and 0.00001; TOPMed 0.00001; ExAC 0.00002; gnomAD 0.00002; ESP Exome Variant Server 0.00008.
gnomAD v4.1: 8 of 1,614,104 alleles (0.0005%); highest among the groups gnomAD compares: South Asian, 0.0011%; no homozygotes.

Submissions (3):

Labcorp Genetics (formerly Invitae), Labcorp
Classification: Likely benign for Joubert syndrome; Meckel-Gruber syndrome. Last evaluated: 2025-06-16. Review status: criteria provided, single submitter. Criteria: Invitae Variant Classification Sherloc (09022015). Collection method: clinical testing. Allele origin: germline.

Blueprint Genetics
Classification: Likely benign. Last evaluated: 2021-08-26. Review status: criteria provided, single submitter. Criteria: ACMG Guidelines, 2015. Collection method: clinical testing. Allele origin: germline.

PreventionGenetics, part of Exact Sciences
Classification: Likely benign for TCTN1-related condition. Last evaluated: 2023-02-09. Review status: no assertion criteria provided. Collection method: clinical testing. Allele origin: germline. Not counted in ClinVar's aggregate classification.
Comment: This variant is classified as likely benign based on ACMG/AMP sequence variant interpretation guidelines (Richards et al. 2015 PMID: 25741868, with internal and published modifications).